The following is an entry in ClinVar:

ClinVar aggregate classification (germline): Likely benign (1 of 4 stars; one submission).

gnomAD v4.1: 29 of 1,613,444 alleles (0.0018%); highest among the groups gnomAD compares: Non-Finnish European, 0.0025%; no homozygotes.

Submission:

CeGaT Center for Human Genetics Tuebingen
Classification: Likely benign. Last evaluated: 2026-01-01. Review status: criteria provided, single submitter. Criteria: CeGaT Center For Human Genetics Tuebingen Variant Classification Criteria Version 2. Collection method: clinical testing. Allele origin: germline. Affected: yes. Observed: 1 variant allele.
Comment: TNPO2: BP4, BP7

NM_001382241.1(TNPO2):c.2397G>A (p.Gln799=)

Genes: TNPO2 (transportin 2; minus strand), LOC126862859 (CDK7 strongly-dependent group 2 enhancer GRCh37_chr19:12811952-12813151; plus strand). Cytogenetic location: 19p13.13.
Variant type: single nucleotide variant.
Coding change: c.2397G>A on transcript NM_001382241.1 (MANE Select); coding-DNA position 2397, G replaced by A.
Protein change: p.Gln799=; no amino-acid change (glutamine 799 retained).
Molecular consequence: synonymous variant. On other transcripts: non-coding transcript variant (6).
Genome position (GRCh38, 1-based): chr19:12,702,086, C>T on the plus strand (G>A on the coding strand, the complement: TNPO2 is on the minus strand). VCF-style: chr19-12702086-C-T. GRCh37 (hg19) VCF-style: chr19-12812900-C-T.
Other names: c.2397G>A, p.Gln799= (NM_001382242.1, NM_001136196.2, NM_001382240.1); c.2361G>A, p.Gln787= (NM_001382243.1); c.2367G>A, p.Gln789= (NM_013433.5, NM_001136195.2, NM_001382236.1 and 3 more transcripts).
Identifiers: ClinVar variation 4821446 (VCV004821446.4).